The following is an entry in ClinVar:

NM_006019.4(TCIRG1):c.758G>T (p.Arg253Leu)

Gene: TCIRG1 (T cell immune regulator 1, ATPase H+ transporting V0 subunit a3; plus strand). Cytogenetic location: 11q13.2.
Variant type: single nucleotide variant.
Coding change: c.758G>T on transcript NM_006019.4 (MANE Select); coding-DNA position 758, G replaced by T.
Protein change: p.Arg253Leu; replaces arginine 253 with leucine.
Molecular consequence: missense variant. On other transcripts: 5 prime UTR variant (1), intron variant (1).
Genome position (GRCh38, 1-based): chr11:68,043,858, G>T. VCF-style: chr11-68043858-G-T. GRCh37 (hg19) VCF-style: chr11-67811325-G-T.
Other names: c.-137G>T (NM_001351059.2); c.758G>T, p.Arg253Leu (NM_001440552.1, NM_001440553.1, NM_001440554.1 and 4 more transcripts); c.716G>T, p.Arg239Leu (NM_001440555.1, NM_001440556.1, NM_001440563.1); c.545G>T, p.Arg182Leu (NM_001440561.1, NM_001440562.1, NM_001440566.1 and 1 more transcripts); c.503G>T, p.Arg168Leu (NM_001440564.1, NM_001440568.1); c.458G>T, p.Arg153Leu (NM_001440565.1); c.110G>T, p.Arg37Leu (NM_006053.4); c.503+827G>T (NM_001440569.1); short protein forms R168L, R182L, R253L, R153L, R239L, R37L.
Identifiers: ClinVar variation 4736688 (VCV004736688.1).

ClinVar aggregate classification (germline): Uncertain significance (1 of 4 stars; one submission).

gnomAD v4.1: 2 of 1,569,556 alleles (0.00013%); highest among the groups gnomAD compares: Middle Eastern, 0.017%; no homozygotes.

Submission:

Labcorp Genetics (formerly Invitae), Labcorp
Classification: Uncertain significance. Last evaluated: 2025-12-30. Review status: criteria provided, single submitter. Criteria: Invitae Variant Classification Sherloc (09022015). Collection method: clinical testing. Allele origin: germline.
Comment: This sequence change replaces arginine, which is basic and polar, with leucine, which is neutral and non-polar, at codon 253 of the TCIRG1 protein (p.Arg253Leu). The frequency data for this variant in the population databases is considered unreliable, as metrics indicate poor data quality at this position in the gnomAD database. This variant has not been reported in the literature in individuals affected with TCIRG1-related conditions. Invitae Evidence Modeling of protein sequence and biophysical properties (such as structural, functional, and spatial information, amino acid conservation, physicochemical variation, residue mobility, and thermodynamic stability) indicates that this missense variant is not expected to disrupt TCIRG1 protein function with a negative predictive value of 80%. In summary, the available evidence is currently insufficient to determine the role of this variant in disease. Therefore, it has been classified as a Variant of Uncertain Significance.